The following is an entry in ClinVar:

ClinVar aggregate classification (germline): Uncertain significance. Review status: criteria provided, multiple submitters, no conflicts (2 of 4 stars). 2 submissions from 2 submitters: Uncertain significance (2). Last evaluated 2025-04-08.

Allele frequency attached by ClinVar (database versions not stated): gnomAD exomes below 0.00001 and 0.00002; ExAC 0.00002; gnomAD 0.00008 and 0.00009; TOPMed 0.00010; ESP Exome Variant Server 0.00015.
gnomAD v4.1: 17 of 1,612,522 alleles (0.0011%); highest among the groups gnomAD compares: African/African-American, 0.023%; no homozygotes.

Submissions (2):

GeneDx
Classification: Uncertain significance. Last evaluated: 2025-04-08. Review status: criteria provided, single submitter. Criteria: GeneDx Variant Classification Process June 2021. Collection method: clinical testing. Allele origin: germline. Affected: yes.
Comment: In silico analysis supports that this missense variant has a deleterious effect on protein structure/function; Has not been previously published as pathogenic or benign to our knowledge

Labcorp Genetics (formerly Invitae), Labcorp
Classification: Uncertain significance. Last evaluated: 2022-03-31. Review status: criteria provided, single submitter. Criteria: Invitae Variant Classification Sherloc (09022015). Collection method: clinical testing. Allele origin: germline.
Comment: This sequence change replaces proline, which is neutral and non-polar, with arginine, which is basic and polar, at codon 561 of the HSPG2 protein (p.Pro561Arg). This variant is present in population databases (rs374917998, gnomAD 0.04%). This variant has not been reported in the literature in individuals affected with HSPG2-related conditions. Algorithms developed to predict the effect of missense changes on protein structure and function are either unavailable or do not agree on the potential impact of this missense change (SIFT: "Tolerated"; PolyPhen-2: "Possibly Damaging"; Align-GVGD: "Class C0"). In summary, the available evidence is currently insufficient to determine the role of this variant in disease. Therefore, it has been classified as a Variant of Uncertain Significance.

NM_005529.7(HSPG2):c.1682C>G (p.Pro561Arg)

Gene: HSPG2 (heparan sulfate proteoglycan 2; minus strand). Cytogenetic location: 1p36.12.
Variant type: single nucleotide variant.
Coding change: c.1682C>G on transcript NM_005529.7 (MANE Select); coding-DNA position 1682, C replaced by G.
Protein change: p.Pro561Arg; replaces proline 561 with arginine.
Molecular consequence: missense variant.
Genome position (GRCh38, 1-based): chr1:21,881,475, G>C on the plus strand (C>G on the coding strand, the complement: HSPG2 is on the minus strand). VCF-style: chr1-21881475-G-C. GRCh37 (hg19) VCF-style: chr1-22207968-G-C.
Other names: c.1685C>G, p.Pro562Arg (NM_001291860.2); c.1682C>G (NM_005529.5); short protein forms P561R, P562R.
Identifiers: ClinVar variation 1376353 (VCV001376353.7), dbSNP rs374917998, ClinGen allele CA673331.